The following is an entry in ClinVar:

NM_001367624.2(ZNF469):c.3440G>A (p.Gly1147Asp)

Gene: ZNF469 (zinc finger protein 469; plus strand). Cytogenetic location: 16q24.2.
Variant type: single nucleotide variant.
Coding change: c.3440G>A on transcript NM_001367624.2 (MANE Select); coding-DNA position 3440, G replaced by A.
Protein change: p.Gly1147Asp; replaces glycine 1147 with aspartic acid.
Molecular consequence: missense variant.
Genome position (GRCh38, 1-based): chr16:88,430,910, G>A. VCF-style: chr16-88430910-G-A. GRCh37 (hg19) VCF-style: chr16-88497318-G-A.
Other names: NM_001127464.1:c.3356G>A; short protein forms G1147D.
Identifiers: ClinVar variation 3476274 (VCV003476274.1).

ClinVar aggregate classification (germline): Uncertain significance (1 of 4 stars; one submission).

Conditions:
Cardiovascular phenotype. Identifiers: MedGen CN230736.

gnomAD v4.1: 18 of 1,537,346 alleles (0.0012%); highest among the groups gnomAD compares: Middle Eastern, 0.019%; no homozygotes.

Submission:

Ambry Genetics
Classification: Uncertain significance for Cardiovascular phenotype. Last evaluated: 2024-11-13. Review status: criteria provided, single submitter. Criteria: Ambry Variant Classification Scheme 2023. Collection method: clinical testing. Allele origin: germline.
Comment: The p.G1119D variant (also known as c.3356G>A), located in coding exon 2 of the ZNF469 gene, results from a G to A substitution at nucleotide position 3356. The glycine at codon 1119 is replaced by aspartic acid, an amino acid with similar properties. This amino acid position is conserved. In addition, this alteration is predicted to be tolerated by in silico analysis. Based on the available evidence, the clinical significance of this variant remains unclear.